The following is an entry in ClinVar:

NM_005228.5(EGFR):c.3232A>G (p.Thr1078Ala)

Gene: EGFR (epidermal growth factor receptor; plus strand). Cytogenetic location: 7p11.2.
Variant type: single nucleotide variant.
Coding change: c.3232A>G on transcript NM_005228.5 (MANE Select); coding-DNA position 3232, A replaced by G.
Protein change: p.Thr1078Ala; replaces threonine 1078 with alanine.
Molecular consequence: missense variant.
Genome position (GRCh38, 1-based): chr7:55,202,586, A>G. VCF-style: chr7-55202586-A-G. GRCh37 (hg19) VCF-style: chr7-55270279-A-G.
Other names: c.3097A>G, p.Thr1033Ala (NM_001346897.2, NM_001346899.2); c.3232A>G, p.Thr1078Ala (NM_001346898.2); c.3073A>G, p.Thr1025Ala (NM_001346900.2); c.2431A>G, p.Thr811Ala (NM_001346941.2); short protein forms T1025A, T1078A, T1033A, T811A.
Identifiers: ClinVar variation 2808653 (VCV002808653.3), dbSNP rs751342391, ClinGen allele CA367583419.

ClinVar aggregate classification (germline): Uncertain significance (1 of 4 stars; one submission).

Conditions:
EGFR-related lung cancer (EGFR). Identifiers: MedGen CN130014.

gnomAD v4.1: 1 of 1,613,544 alleles (0.000062%); highest among the groups gnomAD compares: South Asian, 0.0011%; no homozygotes.

Submission:

Labcorp Genetics (formerly Invitae), Labcorp
Classification: Uncertain significance for EGFR-related lung cancer. Last evaluated: 2025-10-03. Review status: criteria provided, single submitter. Criteria: Invitae Variant Classification Sherloc (09022015). Collection method: clinical testing. Allele origin: germline.
Comment: This sequence change replaces threonine, which is neutral and polar, with alanine, which is neutral and non-polar, at codon 1078 of the EGFR protein (p.Thr1078Ala). This variant is present in population databases (no rsID available, gnomAD 0.003%). This variant has not been reported in the literature in individuals affected with EGFR-related conditions. ClinVar contains an entry for this variant (Variation ID: 2808653). An algorithm developed to predict the effect of missense changes on protein structure and function outputs the following: PolyPhen-2: "Benign". The alanine amino acid residue is found in multiple mammalian species, which suggests that this missense change does not adversely affect protein function. In summary, the available evidence is currently insufficient to determine the role of this variant in disease. Therefore, it has been classified as a Variant of Uncertain Significance.